The following is an entry in ClinVar:

NM_000070.3(CAPN3):c.1342C>G (p.Arg448Gly)

Gene: CAPN3 (calpain 3; plus strand). Cytogenetic location: 15q15.1.
Variant type: single nucleotide variant.
Coding change: c.1342C>G on transcript NM_000070.3 (MANE Select); coding-DNA position 1342, C replaced by G.
Protein change: p.Arg448Gly; replaces arginine 448 with glycine.
Molecular consequence: missense variant.
Genome position (GRCh38, 1-based): chr15:42,399,640, C>G. VCF-style: chr15-42399640-C-G. GRCh37 (hg19) VCF-style: chr15-42691838-C-G.
Other names: c.1342C>G, p.Arg448Gly (NM_024344.2); c.1198C>G, p.Arg400Gly (NM_173087.2); short protein forms R448G, R400G.
Identifiers: ClinVar variation 553662 (VCV000553662.17), dbSNP rs776043976, ClinGen allele CA7511323.

ClinVar aggregate classification (germline): Pathogenic/Likely pathogenic. Review status: criteria provided, multiple submitters, no conflicts (2 of 4 stars). 6 submissions from 6 submitters: Pathogenic (4); Likely pathogenic (1). 1 of the submissions does not count toward it. Last evaluated 2025-09-14.

Conditions:
Autosomal recessive limb-girdle muscular dystrophy type 2A (LGMDR1). Also called: LEYDEN-MOEBIUS MUSCULAR DYSTROPHY; MUSCULAR DYSTROPHY, PELVOFEMORAL; Limb-girdle muscular dystrophy, type 2A; Calpainopathy; Muscular dystrophy, limb-girdle, type 2A, Amish. Identifiers: Orphanet 267, MedGen C1869123, MONDO:0009675, OMIM 253600. Disease mechanism: loss of function.
Muscular dystrophy, limb-girdle, autosomal dominant 4. Also called: Calpain-3-related limb-girdle muscular dystrophy D4; MUSCULAR DYSTROPHY, LIMB-GIRDLE, TYPE 1I. Identifiers: Orphanet 565909, MedGen C4748295, MONDO:0029133, OMIM 618129.

gnomAD v4.1: 48 of 1,602,844 alleles (0.003%); highest among the groups gnomAD compares: Non-Finnish European, 0.0037%; no homozygotes.

Submissions (6):

Natera, Inc.
Classification: Pathogenic for Limb-girdle muscular dystrophy type 2A. Last evaluated: 2025-09-14. Review status: criteria provided, single submitter. Criteria: Natera Variant Classification Schema (03/2026). Collection method: clinical testing. Allele origin: germline.
Comment: The c.1342C>G variant in CAPN3 is a missense variant predicted to cause substitution of arginine to glycine at amino acid 448. This variant is rare in the general population with a frequency below the threshold expected for the associated phenotype(s). This variant has been observed in one or more individuals affected with the associated recessive disease, as either homozygous or compound heterozygous with a second variant (PMID: 10330340, 33337384, 35465312, 16650086, 29970176, 18055493, 32153140). A different variant at the same position has been determined to be Pathogenic or Likely Pathogenic. Computational prediction algorithms indicate this variant is likely to affect gene or protein function. Given the available evidence, this variant is classified as Pathogenic.

Labcorp Genetics (formerly Invitae), Labcorp
Classification: Pathogenic for Autosomal recessive limb-girdle muscular dystrophy type 2A. Last evaluated: 2025-08-20. Review status: criteria provided, single submitter. Criteria: Invitae Variant Classification Sherloc (09022015). Collection method: clinical testing. Allele origin: germline.
Comment: This sequence change replaces arginine, which is basic and polar, with glycine, which is neutral and non-polar, at codon 448 of the CAPN3 protein (p.Arg448Gly). This variant is present in population databases (rs776043976, gnomAD 0.003%). This missense change has been observed in individuals with autosomal recessive limb-girdle muscular dystrophy (PMID: 10330340, 16650086, 18055493; internal data). ClinVar contains an entry for this variant (Variation ID: 553662). Invitae Evidence Modeling of protein sequence and biophysical properties (such as structural, functional, and spatial information, amino acid conservation, physicochemical variation, residue mobility, and thermodynamic stability) indicates that this missense variant is expected to disrupt CAPN3 protein function with a positive predictive value of 80%. This variant disrupts the p.Arg448 amino acid residue in CAPN3. Other variant(s) that disrupt this residue have been determined to be pathogenic (PMID: 10330340, 17236769, 18854869, 20635405, 25135358). This suggests that this residue is clinically significant, and that variants that disrupt this residue are likely to be disease-causing. For these reasons, this variant has been classified as Pathogenic.

Revvity Omics, Revvity
Classification: Pathogenic. Last evaluated: 2024-05-06. Review status: criteria provided, single submitter. Criteria: ACMG Guidelines, 2015. Collection method: clinical testing. Allele origin: germline.

Fulgent Genetics
Classification: Likely pathogenic for Autosomal recessive limb-girdle muscular dystrophy type 2A; Muscular dystrophy, limb-girdle, autosomal dominant 4. Last evaluated: 2024-05-01. Review status: criteria provided, single submitter. Criteria: ACMG Guidelines, 2015. Collection method: clinical testing. Allele origin: germline.

Baylor Genetics
Classification: Pathogenic for Muscular dystrophy, limb-girdle, autosomal dominant 4. Last evaluated: 2024-03-28. Review status: criteria provided, single submitter. Criteria: ACMG Guidelines, 2015. Collection method: clinical testing. Allele origin: unknown.

Counsyl
Classification: Likely pathogenic for Autosomal recessive limb-girdle muscular dystrophy type 2A. Last evaluated: 2017-09-12. Review status: no assertion criteria provided. Collection method: clinical testing. Allele origin: unknown. Not counted in ClinVar's aggregate classification.

Literature cited by the submitters: PubMed 10330340 (cited by 3 submitters); PubMed 33337384 (cited by Natera, Inc.); PubMed 35465312 (cited by Natera, Inc.); PubMed 16650086 (cited by Natera, Inc. and Labcorp Genetics (formerly Invitae), Labcorp); PubMed 29970176 (cited by Natera, Inc.); PubMed 18055493 (cited by 3 submitters); PubMed 32153140 (cited by Natera, Inc.); PubMed 17236769 (cited by Labcorp Genetics (formerly Invitae), Labcorp); PubMed 18854869 (cited by Labcorp Genetics (formerly Invitae), Labcorp); PubMed 20635405 (cited by Labcorp Genetics (formerly Invitae), Labcorp); PubMed 25135358 (cited by Labcorp Genetics (formerly Invitae), Labcorp).